The following is an entry in ClinVar:

NM_006734.4(HIVEP2):c.1161_1163del (p.Leu388del)

Gene: HIVEP2 (HIVEP zinc finger 2; minus strand). Cytogenetic location: 6q24.2.
Variant type: Deletion.
Coding change: c.1161_1163del on transcript NM_006734.4 (MANE Select); coding-DNA positions 1161 to 1163, 3 bases deleted (TCT; older notation c.1161_1163delTCT).
Protein change: p.Leu388del; deletes leucine 388.
Molecular consequence: inframe deletion.
Genome position (GRCh38, 1-based): chr6:142,773,576-142,773,578, AGA deleted on the plus strand (TCT on the coding strand, the reverse complement: HIVEP2 is on the minus strand); deleting any 3 consecutive bases within chr6:142,773,576-142,773,580 gives the same sequence; the c. name uses the placement nearest the transcript's 3' end. VCF-style (leftmost placement, unchanged base first): chr6-142773575-CAGA-C. GRCh37 (hg19) VCF-style: chr6-143094712-CAGA-C.
Other names: short protein forms L388del.
Identifiers: ClinVar variation 452067 (VCV000452067.2), dbSNP rs1554277130, ClinGen allele CA658657629.

ClinVar aggregate classification (germline): Uncertain significance (1 of 4 stars; one submission).

Submission:

GeneDx
Classification: Uncertain significance. Last evaluated: 2017-09-07. Review status: criteria provided, single submitter. Criteria: GeneDx Variant Classification (06012015). Collection method: clinical testing. Allele origin: germline. Affected: yes.
Comment: The c.1161_1163delTCT variant has not been published as a pathogenic variant, nor has it been reported as a benign variant to our knowledge. The c.1161_1163delTCT variant is not observed in large population cohorts (Lek et al., 2016; 1000 Genomes Consortium et al., 2015; Exome Variant Server). The c.1161_1163delTCT variant results in an in-frame deletion of a single Leucine residue, denoted p.Leu388del. This substitution occurs at a position that is conserved across species, and in silico analysis predicts this variant is probably damaging to the protein structure/function. Based on the currently available information, it is unclear whether this variant is a pathogenic variant or a rare benign variant.